The following is an entry in ClinVar:

NM_001035.3(RYR2):c.7210C>T (p.Pro2404Ser)

Gene: RYR2 (ryanodine receptor 2; plus strand). Cytogenetic location: 1q43.
Variant type: single nucleotide variant.
Coding change: c.7210C>T on transcript NM_001035.3 (MANE Select); coding-DNA position 7210, C replaced by T.
Protein change: p.Pro2404Ser; replaces proline 2404 with serine.
Molecular consequence: missense variant.
Genome position (GRCh38, 1-based): chr1:237,640,991, C>T. VCF-style: chr1-237640991-C-T. GRCh37 (hg19) VCF-style: chr1-237804291-C-T.
Other names: short protein forms P2404S.
Identifiers: ClinVar variation 3071380 (VCV003071380.3), dbSNP rs1318711262, ClinGen allele CA345396810.
Genomic context (GRCh38, chr1:237,640,991, plus strand): 5'-ATGGGGAACGCGATCATGACCTTCTATTCAGCTTTGATTGACCTCTTGGGACGCTGTGCT[C>T]CTGAGATGCATGTGAGTTTCTGGGAGTTCAGGAGCAGCAATCCTGATTTCTCTGTGTTAA-3'
Protein context (NP_001026.2, residues 2394-2414): ALIDLLGRCA[Pro2404Ser]EMHLIHAGKG

ClinVar aggregate classification (germline): Conflicting classifications of pathogenicity. Review status: criteria provided, conflicting classifications (1 of 4 stars). 2 submissions from 2 submitters: Likely pathogenic (1); Uncertain significance (1). Last evaluated 2024-06-17.

Conditions:
Catecholaminergic polymorphic ventricular tachycardia 1. Also called: VENTRICULAR TACHYCARDIA, CATECHOLAMINERGIC POLYMORPHIC, 1, WITH OR WITHOUT ATRIAL DYSFUNCTION AND/OR DILATED CARDIOMYOPATHY; RYR2-Related Catecholaminergic Polymorphic Ventricular Tachycardia; VENTRICULAR TACHYCARDIA, STRESS-INDUCED POLYMORPHIC 1. Identifiers: Orphanet 3286, MedGen C1631597, MONDO:0011484, OMIM 604772.
Catecholaminergic polymorphic ventricular tachycardia (CVPT). Also called: Catecholamine-induced polymorphic ventricular tachycardia. Identifiers: Orphanet 3286, MedGen C5574922, MONDO:0017990.

Allele frequency attached by ClinVar (database versions not stated): gnomAD 0.00001.
gnomAD v4.1: 2 of 1,610,400 alleles (0.00012%); highest among the groups gnomAD compares: Admixed American, 0.0034%; no homozygotes.

Submissions (2):

Labcorp Genetics (formerly Invitae), Labcorp
Classification: Likely pathogenic for Catecholaminergic polymorphic ventricular tachycardia 1. Last evaluated: 2024-06-17. Review status: criteria provided, single submitter. Criteria: Invitae Variant Classification Sherloc (09022015). Collection method: clinical testing. Allele origin: germline.
Comment: This sequence change replaces proline, which is neutral and non-polar, with serine, which is neutral and polar, at codon 2404 of the RYR2 protein (p.Pro2404Ser). This variant is not present in population databases (gnomAD no frequency). This variant has not been reported in the literature in individuals affected with RYR2-related conditions. Advanced modeling of protein sequence and biophysical properties (such as structural, functional, and spatial information, amino acid conservation, physicochemical variation, residue mobility, and thermodynamic stability) performed at Invitae indicates that this missense variant is expected to disrupt RYR2 protein function with a positive predictive value of 95%. This variant disrupts the p.Pro2404 amino acid residue in RYR2. Other variant(s) that disrupt this residue have been determined to be pathogenic (PMID: 18463390). This suggests that this residue is clinically significant, and that variants that disrupt this residue are likely to be disease-causing. In summary, the currently available evidence indicates that the variant is pathogenic, but additional data are needed to prove that conclusively. Therefore, this variant has been classified as Likely Pathogenic.

All of Us Research Program, National Institutes of Health
Classification: Uncertain significance for Catecholaminergic polymorphic ventricular tachycardia. Last evaluated: 2023-05-31. Review status: criteria provided, single submitter. Criteria: ACMG Guidelines, 2015. Collection method: clinical testing. Allele origin: germline. Inheritance: Autosomal dominant inheritance. Observed: 1 variant allele, 1 heterozygote.
Comment: This study involves interpretation of variants in research participants for the purpose of population health screening. Participant phenotype was not available at the time of variant classification. Additional details can be found in publication PMID: 35346344, PMCID: PMC8962531

Literature cited by the submitters: PubMed 18463390 (cited by Labcorp Genetics (formerly Invitae), Labcorp).